The following is an entry in ClinVar:

ClinVar aggregate classification (germline): Uncertain significance (1 of 4 stars; one submission).

Conditions:
Neurodevelopmental disorder with craniofacial dysmorphism and skeletal defects (NEDCDS). Identifiers: Orphanet 662207, MedGen C5774235, MONDO:0859301, OMIM 620083.

Submission:

3billion
Classification: Uncertain significance for Neurodevelopmental disorder with craniofacial dysmorphism and skeletal defects. Last evaluated: 2025-08-08. Review status: criteria provided, single submitter. Criteria: ACMG Guidelines, 2015. Collection method: clinical testing. Allele origin: germline. Affected: yes.
Comment: The variant is not observed in the gnomAD v4.1.0 dataset. Predicted Consequence/Location: Intron variant In silico tools predict the variant to alter splicing and produce an abnormal transcript [SpliceAI: 0.45 (>=0.2, moderate evidence for spliceogenicity)]. Therefore, this variant is classified as VUS according to the recommendation of ACMG/AMP guideline.

NM_001257293.2(HNRNPH1):c.98-605A>C

Genes: HNRNPH1 (heterogeneous nuclear ribonucleoprotein H1; minus strand), LOC128966623 (uncharacterized LOC128966623; plus strand). Cytogenetic location: 5q35.3.
Variant type: single nucleotide variant.
Coding change: c.98-605A>C on transcript NM_001257293.2 (MANE Select); 605 bases into the intron before coding-DNA position 98, A replaced by C.
Molecular consequence: intron variant.
Genome position (GRCh38, 1-based): chr5:179,622,002, T>G on the plus strand (A>C on the coding strand, the complement: HNRNPH1 is on the minus strand). VCF-style: chr5-179622002-T-G. GRCh37 (hg19) VCF-style: chr5-179049003-T-G.
Other names: c.98-605A>C (NM_001364226.2, NM_001364241.2, NM_001364227.2 and 39 more transcripts); c.-268-26A>C (NM_001395190.1); c.-367-605A>C (NM_001395195.1, NM_001364251.2, NM_001364254.2 and 4 more transcripts); c.98-967A>C (NM_001364250.2).
Identifiers: ClinVar variation 4855583 (VCV004855583.1).
Genomic context (GRCh38, chr5:179,622,002, plus strand): 5'-GTTCTTGTTTTACAGGTCGCTTTCCGTTACCAACGCTAAATTCAGATAGTAAGTCAATAC[T>G]ACAAACGTCTTGCCAAAAGCTGTTAATTTCATCCAAATAGAATTTTAATCAGTCTAATTT-3'